The following is an entry in ClinVar:

ClinVar aggregate classification (germline): Uncertain significance (1 of 4 stars; one submission).

Conditions:
CHD5-related disorder. Also called: CHD5-related condition.

Submission:

PreventionGenetics, part of Exact Sciences
Classification: Uncertain significance for CHD5-related condition. Last evaluated: 2025-01-07. Review status: criteria provided, single submitter. Criteria: ACMG Guidelines, 2015. Collection method: clinical testing. Allele origin: germline.
Comment: The CHD5 c.3194A>G variant is predicted to result in the amino acid substitution p.Tyr1065Cys. To our knowledge, this variant has not been reported in the literature or in a large population database (gnomAD), indicating this variant is rare. At this time, the clinical significance of this variant is uncertain due to the absence of conclusive functional and genetic evidence.

NM_015557.3(CHD5):c.3194A>G (p.Tyr1065Cys)

Gene: CHD5 (chromodomain helicase DNA binding protein 5; minus strand). Cytogenetic location: 1p36.31.
Variant type: single nucleotide variant.
Coding change: c.3194A>G on transcript NM_015557.3 (MANE Select); coding-DNA position 3194, A replaced by G.
Protein change: p.Tyr1065Cys; replaces tyrosine 1065 with cysteine.
Molecular consequence: missense variant.
Genome position (GRCh38, 1-based): chr1:6,131,699, T>C on the plus strand (A>G on the coding strand, the complement: CHD5 is on the minus strand). VCF-style: chr1-6131699-T-C. GRCh37 (hg19) VCF-style: chr1-6191759-T-C.
Other names: short protein forms Y1065C.
Identifiers: ClinVar variation 4998033 (VCV004998033.1).